The following is an entry in ClinVar:

NM_001166108.2(PALLD):c.742G>C (p.Asp248His)

Gene: PALLD (palladin, cytoskeletal associated protein; plus strand). Cytogenetic location: 4q32.3.
Variant type: single nucleotide variant.
Coding change: c.742G>C on transcript NM_001166108.2 (MANE Select); coding-DNA position 742, G replaced by C.
Protein change: p.Asp248His; replaces aspartic acid 248 with histidine.
Molecular consequence: missense variant.
Genome position (GRCh38, 1-based): chr4:168,512,246, G>C. VCF-style: chr4-168512246-G-C. GRCh37 (hg19) VCF-style: chr4-169433397-G-C.
Other names: c.742G>C, p.Asp248His (NM_016081.4); short protein forms D248H.
Identifiers: ClinVar variation 3413632 (VCV003413632.1).

ClinVar aggregate classification (germline): Uncertain significance (1 of 4 stars; one submission).

Submission:

Ambry Genetics
Classification: Uncertain significance. Last evaluated: 2024-10-04. Review status: criteria provided, single submitter. Criteria: Ambry Variant Classification Scheme 2023. Collection method: clinical testing. Allele origin: germline.
Comment: The p.D248H variant (also known as c.742G>C), located in coding exon 1 of the PALLD gene, results from a G to C substitution at nucleotide position 742. The aspartic acid at codon 248 is replaced by histidine, an amino acid with similar properties. This amino acid position is conserved. In addition, this alteration is predicted to be tolerated by in silico analysis. Based on the available evidence, the clinical significance of this variant remains unclear.